The following is an entry in ClinVar:

NM_002653.5(PITX1):c.429G>C (p.Lys143Asn)

Gene: PITX1 (paired like homeodomain 1; minus strand). Cytogenetic location: 5q31.1.
Variant type: single nucleotide variant.
Coding change: c.429G>C on transcript NM_002653.5 (MANE Select); coding-DNA position 429, G replaced by C.
Protein change: p.Lys143Asn; replaces lysine 143 with asparagine.
Molecular consequence: missense variant.
Genome position (GRCh38, 1-based): chr5:135,029,295, C>G on the plus strand (G>C on the coding strand, the complement: PITX1 is on the minus strand). VCF-style: chr5-135029295-C-G. GRCh37 (hg19) VCF-style: chr5-134364985-C-G.
Other names: short protein forms K143N.
Identifiers: ClinVar variation 3573837 (VCV003573837.2).

ClinVar aggregate classification (germline): Uncertain significance (1 of 4 stars; one submission).

Submission:

GeneDx
Classification: Uncertain significance. Last evaluated: 2026-09-18. Review status: criteria provided, single submitter. Criteria: GeneDx Variant Classification Process June 2021. Collection method: clinical testing. Allele origin: germline.
Comment: Not observed at significant frequency in large population cohorts (gnomAD); In silico analysis supports that this missense variant has a deleterious effect on protein structure/function; Has not been previously published as pathogenic or benign to our knowledge